The following is an entry in ClinVar:

ClinVar aggregate classification (germline): Uncertain significance. Review status: criteria provided, multiple submitters, no conflicts (2 of 4 stars). 4 submissions from 4 submitters: Uncertain significance (3). 1 of the submissions does not count toward it. Last evaluated 2025-05-25.

Conditions:
Inborn genetic diseases. Identifiers: MedGen C0950123, MeSH D030342.
Isovaleryl-CoA dehydrogenase deficiency (IVA). Also called: ISOVALERIC ACID CoA DEHYDROGENASE DEFICIENCY; IVD DEFICIENCY; Isovaleric acidemia; Classic Isovaleric Acidemia. Identifiers: Orphanet 33, MedGen C0268575, MONDO:0009475, OMIM 243500.

Allele frequency attached by ClinVar (database versions not stated): gnomAD 0.00003 and 0.00004; TOPMed 0.00005; gnomAD exomes 0.00006; ExAC 0.00007; ESP Exome Variant Server 0.00015; 1000 Genomes Project 30x 0.00016; 1000 Genomes Project 0.00020.
gnomAD v4.1: 100 of 1,614,256 alleles (0.0062%); highest among the groups gnomAD compares: East Asian, 0.016%; no homozygotes.

Submissions (4):

Ambry Genetics
Classification: Uncertain significance for Inborn genetic diseases. Last evaluated: 2025-05-25. Review status: criteria provided, single submitter. Criteria: Ambry Variant Classification Scheme 2023. Collection method: clinical testing. Allele origin: germline.

Labcorp Genetics (formerly Invitae), Labcorp
Classification: Uncertain significance for Isovaleryl-CoA dehydrogenase deficiency. Last evaluated: 2022-08-09. Review status: criteria provided, single submitter. Criteria: Invitae Variant Classification Sherloc (09022015). Collection method: clinical testing. Allele origin: germline.
Comment: This sequence change replaces methionine, which is neutral and non-polar, with threonine, which is neutral and polar, at codon 337 of the IVD protein (p.Met337Thr). This variant is present in population databases (rs368041528, gnomAD 0.03%). This variant has not been reported in the literature in individuals affected with IVD-related conditions. ClinVar contains an entry for this variant (Variation ID: 315802). Algorithms developed to predict the effect of missense changes on protein structure and function output the following: SIFT: "Tolerated"; PolyPhen-2: "Benign"; Align-GVGD: "Class C0". The threonine amino acid residue is found in multiple mammalian species, which suggests that this missense change does not adversely affect protein function. In summary, the available evidence is currently insufficient to determine the role of this variant in disease. Therefore, it has been classified as a Variant of Uncertain Significance.

Illumina Laboratory Services, Illumina
Classification: Uncertain significance for Isovaleryl-CoA dehydrogenase deficiency. Last evaluated: 2018-01-13. Review status: criteria provided, single submitter. Criteria: ICSL Variant Classification Criteria 13 December 2019. Collection method: clinical testing. Allele origin: germline.

Natera, Inc.
Classification: Uncertain significance for Isovaleryl-coa dehydrogenase deficiency. Last evaluated: 2018-03-27. Review status: no assertion criteria provided. Collection method: clinical testing. Allele origin: germline. Not counted in ClinVar's aggregate classification.

NM_002225.5(IVD):c.1001T>C (p.Met334Thr)

Gene: IVD (isovaleryl-CoA dehydrogenase; plus strand). Cytogenetic location: 15q15.1.
Variant type: single nucleotide variant.
Coding change: c.1001T>C on transcript NM_002225.5 (MANE Select); coding-DNA position 1001, T replaced by C.
Protein change: p.Met334Thr; replaces methionine 334 with threonine.
Molecular consequence: missense variant. On other transcripts: non-coding transcript variant (1).
Genome position (GRCh38, 1-based): chr15:40,416,118, T>C. VCF-style: chr15-40416118-T-C. GRCh37 (hg19) VCF-style: chr15-40708317-T-C.
Other names: c.911T>C, p.Met304Thr (NM_001159508.3); c.953T>C, p.Met318Thr (NM_001354597.3); c.1001T>C, p.Met334Thr (NM_001354598.3, NM_001354601.3); c.1088T>C, p.Met363Thr (NM_001354599.3, NM_001354600.3); short protein forms M304T, M318T, M363T, M334T.
Identifiers: ClinVar variation 315802 (VCV000315802.11), dbSNP rs368041528, ClinGen allele CA7480833.
Genomic context (GRCh38, chr15:40,416,118, plus strand): 5'-TGACATCCCTTTGTGCCCAGTTGATGCAGGGGAAGATGGCTGACATGTACACCCGCCTCA[T>C]GGCGTGTCGGCAGTATGTCTACAATGTCGCCAAGGCCTGCGATGAGGGCCATTGCACTGC-3'
Protein context (NP_002216.3, residues 324-344): GKMADMYTRL[Met334Thr]ACRQYVYNVA